The following is an entry in ClinVar:

ClinVar aggregate classification (germline): Likely benign. Review status: criteria provided, multiple submitters, no conflicts (2 of 4 stars). 2 submissions from 2 submitters: Likely benign (2). Last evaluated 2022-11-23.

Allele frequency attached by ClinVar (database versions not stated): gnomAD exomes 0.00001; TOPMed 0.00002.

Submissions (2):

Labcorp Genetics (formerly Invitae), Labcorp
Classification: Likely benign. Last evaluated: 2022-11-23. Review status: criteria provided, single submitter. Criteria: Invitae Variant Classification Sherloc (09022015). Collection method: clinical testing. Allele origin: germline.

ARUP Laboratories, Molecular Genetics and Genomics, ARUP Laboratories
Classification: Likely benign. Last evaluated: 2018-05-30. Review status: criteria provided, single submitter. Criteria: ARUP Molecular Germline Variant Investigation Process. Collection method: clinical testing. Allele origin: germline.
Comment: The c.321A>C variant has not been reported in the medical literature in association with disease. This variant does not alter amino acid sequence of SDHAF1protein, affects a weakly conserved nucleotide, and computational analyses (Alamut v.2.11) predict that this variant does not alter splicing. This variant is rare in the general population and is found with an overall allele frequency of 0.0007% (1/137,952 alleles) in the Genome Aggregation Database. Based on available information, this variant is considered to be likely benign.

NM_001042631.3(SDHAF1):c.321A>C (p.Ala107=)

Genes: SDHAF1 (succinate dehydrogenase complex assembly factor 1; plus strand), LOC130064281 (ATAC-STARR-seq lymphoblastoid silent region 10546; plus strand). Cytogenetic location: 19q13.12.
Variant type: single nucleotide variant.
Coding change: c.321A>C on transcript NM_001042631.3 (MANE Select); coding-DNA position 321, A replaced by C.
Protein change: p.Ala107=; no amino-acid change (alanine 107 retained).
Molecular consequence: synonymous variant.
Genome position (GRCh38, 1-based): chr19:35,995,595, A>C. VCF-style: chr19-35995595-A-C. GRCh37 (hg19) VCF-style: chr19-36486497-A-C.
Identifiers: ClinVar variation 618361 (VCV000618361.14), dbSNP rs1348216250, ClinGen allele CA507096259.
Genomic context (GRCh38, chr19:35,995,595, plus strand): 5'-CGTGGGTTGCCAGCCTGACGACGGCGACAGTCCAAGGAACCCCCACGACAGCACGGGGGC[A>C]CCGGAGACCCGCCCCGACGGACGGTGACAGGCGAAGAGCCGAACTCGCTCGATGGCGTGG-3'
Protein context (NP_001036096.2, residues 97-115): SPRNPHDSTG[Ala107=]PETRPDGR